The following is an entry in ClinVar:

ClinVar aggregate classification (germline): Conflicting classifications of pathogenicity. Review status: criteria provided, conflicting classifications (1 of 4 stars). 5 submissions from 3 submitters: Uncertain significance (2); Likely benign (3). Last evaluated 2025-11-24.

Conditions:
Autosomal recessive nonsyndromic hearing loss 4 (DFNB4). Also called: Deafness, autosomal recessive 4, with enlarged vestibular aqueduct; FOXI1-Related Pendred Syndrome; KCNJ10-Related Pendred Syndrome; DEAFNESS, AUTOSOMAL RECESSIVE 4, WITH ENLARGED VESTIBULAR AQUEDUCT, DIGENIC; NEUROSENSORY NONSYNDROMIC RECESSIVE DEAFNESS 4; Deafness, autosomal recessive 4. Identifiers: Orphanet 90636, MedGen C3538946, MONDO:0010933, OMIM 600791.
Pendred syndrome (PDS). Also called: DEAFNESS WITH GOITER; GOITER-DEAFNESS SYNDROME; HYPOTHYROIDISM, CONGENITAL, DUE TO DYSHORMONOGENESIS, 2B; THYROID DYSHORMONOGENESIS 2B; THYROID HORMONOGENESIS, GENETIC DEFECT IN, 2B; Pendred's syndrome. Identifiers: Orphanet 705, MedGen C0271829, MONDO:0010134, OMIM 274600.

Allele frequency attached by ClinVar (database versions not stated): gnomAD 0.00001; gnomAD exomes 0.00001 and 0.00004; ExAC 0.00003; TOPMed 0.00003.
gnomAD v4.1: 15 of 1,613,904 alleles (0.00093%); highest among the groups gnomAD compares: East Asian, 0.031%; no homozygotes.

Submissions (5):

Labcorp Genetics (formerly Invitae), Labcorp
Classification: Likely benign. Last evaluated: 2025-11-24. Review status: criteria provided, single submitter. Criteria: Invitae Variant Classification Sherloc (09022015). Collection method: clinical testing. Allele origin: germline.

Genome-Nilou Lab
Classification: Likely benign for Autosomal recessive nonsyndromic hearing loss 4. Last evaluated: 2021-09-05. Review status: criteria provided, single submitter. Criteria: ACMG Guidelines, 2015. Collection method: clinical testing. Allele origin: germline. Affected: no.

Genome-Nilou Lab
Classification: Likely benign for Pendred syndrome. Last evaluated: 2021-09-05. Review status: criteria provided, single submitter. Criteria: ACMG Guidelines, 2015. Collection method: clinical testing. Allele origin: germline. Affected: no.

Illumina Laboratory Services, Illumina
Classification: Uncertain significance for Autosomal recessive nonsyndromic hearing loss 4. Last evaluated: 2017-04-27. Review status: criteria provided, single submitter. Criteria: ICSL Variant Classification Criteria 13 December 2019. Collection method: clinical testing. Allele origin: germline.
Comment: This variant was observed as part of a predisposition screen in an ostensibly healthy population. A literature search was performed for the gene, cDNA change, and amino acid change (where applicable). Publications were found based on this search. However, the evidence from the literature, in combination with allele frequency data from public databases where available, was not sufficient to rule this variant in or out of causing disease. Therefore, this variant is classified as a variant of unknown significance.

Illumina Laboratory Services, Illumina
Classification: Uncertain significance for Pendred syndrome. Last evaluated: 2017-04-27. Review status: criteria provided, single submitter. Criteria: ICSL Variant Classification Criteria 13 December 2019. Collection method: clinical testing. Allele origin: germline.
Comment: the same text as in the submission from Illumina Laboratory Services, Illumina above.

Literature cited by the submitters: PubMed 19040761 (cited by Illumina Laboratory Services, Illumina); PubMed 23185506 (cited by Illumina Laboratory Services, Illumina); PubMed 19744334 (cited by Illumina Laboratory Services, Illumina).

NM_000441.2(SLC26A4):c.678T>C (p.Ala226=)

Gene: SLC26A4 (solute carrier family 26 member 4; plus strand). Cytogenetic location: 7q22.3.
Variant type: single nucleotide variant.
Coding change: c.678T>C on transcript NM_000441.2 (MANE Select); coding-DNA position 678, T replaced by C.
Protein change: p.Ala226=; no amino-acid change (alanine 226 retained).
Molecular consequence: synonymous variant.
Genome position (GRCh38, 1-based): chr7:107,675,022, T>C. VCF-style: chr7-107675022-T-C. GRCh37 (hg19) VCF-style: chr7-107315467-T-C.
Identifiers: ClinVar variation 910666 (VCV000910666.15), dbSNP rs773602319, ClinGen allele CA4432544.